The following is an entry in ClinVar:

NM_138959.3(VANGL1):c.*2344A>C

Gene: VANGL1 (VANGL planar cell polarity protein 1; plus strand). Cytogenetic location: 1p13.1.
Variant type: single nucleotide variant.
Coding change: c.*2344A>C on transcript NM_138959.3 (MANE Select); 2344 bases downstream of the stop codon, A replaced by C.
Molecular consequence: 3 prime UTR variant.
Genome position (GRCh38, 1-based): chr1:115,693,723, A>C. VCF-style: chr1-115693723-A-C. GRCh37 (hg19) VCF-style: chr1-116236344-A-C.
Other names: c.*2344A>C (NM_001172411.2, NM_001172412.2).
Identifiers: ClinVar variation 876685 (VCV000876685.4), dbSNP rs531884184, ClinGen allele CA29599014.

ClinVar aggregate classification (germline): Benign/Likely benign. Review status: criteria provided, single submitter (1 of 4 stars). 2 submissions from 1 submitter: Benign (1); Likely benign (1). Last evaluated 2018-01-13.

Conditions:
Neural tube defect (NTD). Also called: Neural tube defects. Identifiers: Orphanet 3388, Orphanet 823, MedGen C0027794, MONDO:0018075, HP:0045005.
Sacral defect with anterior meningocele. Identifiers: MedGen C1838568, OMIM 600145.

Allele frequency attached by ClinVar (database versions not stated): gnomAD 0.00001 and 0.00017; TOPMed 0.00005; 1000 Genomes Project 30x 0.00047; 1000 Genomes Project 0.00060.

Submissions (2):

Illumina Laboratory Services, Illumina
Classification: Likely benign for Neural tube defects, susceptibility to. Last evaluated: 2018-01-13. Review status: criteria provided, single submitter. Criteria: ICSL Variant Classification Criteria 13 December 2019. Collection method: clinical testing. Allele origin: germline.
Comment: This variant was observed in the ICSL laboratory as part of a predisposition screen in an ostensibly healthy population. It had not been previously curated by ICSL or reported in the Human Gene Mutation Database (HGMD: prior to June 1st, 2018), and was therefore a candidate for classification through an automated scoring system. Utilizing variant allele frequency, disease prevalence and penetrance estimates, and inheritance mode, an automated score was calculated to assess if this variant is too frequent to cause the disease. Based on the score and internal cut-off values, a variant classified as likely benign is not then subjected to further curation. The score for this variant resulted in a classification of likely benign for this disease.

Illumina Laboratory Services, Illumina
Classification: Benign for Sacral defect with anterior meningocele. Last evaluated: 2018-01-13. Review status: criteria provided, single submitter. Criteria: ICSL Variant Classification Criteria 13 December 2019. Collection method: clinical testing. Allele origin: germline.
Comment: This variant was observed in the ICSL laboratory as part of a predisposition screen in an ostensibly healthy population. It had not been previously curated by ICSL or reported in the Human Gene Mutation Database (HGMD: prior to June 1st, 2018), and was therefore a candidate for classification through an automated scoring system. Utilizing variant allele frequency, disease prevalence and penetrance estimates, and inheritance mode, an automated score was calculated to assess if this variant is too frequent to cause the disease. Based on the score and internal cut-off values, a variant classified as benign is not then subjected to further curation. The score for this variant resulted in a classification of benign for this disease.